The following is an entry in ClinVar:

ClinVar aggregate classification (germline): Uncertain significance (1 of 4 stars; one submission).

Conditions:
Inborn genetic diseases. Identifiers: MedGen C0950123, MeSH D030342.

gnomAD v4.1: 1 of 1,587,182 alleles (0.000063%); highest among the groups gnomAD compares: Non-Finnish European, 0.000086%; no homozygotes.

Submission:

Ambry Genetics
Classification: Uncertain significance for Inborn genetic diseases. Last evaluated: 2022-10-12. Review status: criteria provided, single submitter. Criteria: Ambry Variant Classification Scheme 2023. Collection method: clinical testing. Allele origin: germline.
Comment: The p.S474N variant (also known as c.1421G>A), located in coding exon 10 of the EPAS1 gene, results from a G to A substitution at nucleotide position 1421. The serine at codon 474 is replaced by asparagine, an amino acid with highly similar properties. This amino acid position is conserved. In addition, this alteration is predicted to be tolerated by in silico analysis. Since supporting evidence is limited at this time, the clinical significance of this alteration remains unclear.

NM_001430.5(EPAS1):c.1421G>A (p.Ser474Asn)

Gene: EPAS1 (endothelial PAS domain protein 1; plus strand). Cytogenetic location: 2p21.
Variant type: single nucleotide variant.
Coding change: c.1421G>A on transcript NM_001430.5 (MANE Select); coding-DNA position 1421, G replaced by A.
Protein change: p.Ser474Asn; replaces serine 474 with asparagine.
Molecular consequence: missense variant.
Genome position (GRCh38, 1-based): chr2:46,378,065, G>A. VCF-style: chr2-46378065-G-A. GRCh37 (hg19) VCF-style: chr2-46605204-G-A.
Other names: short protein forms S474N.
Identifiers: ClinVar variation 1772270 (VCV001772270.2), dbSNP rs1459319402, ClinGen allele CA346704043.